The following is an entry in ClinVar:

NC_000023.10:g.(?_32613854)_(32669194_?)del

Gene: DMD (dystrophin; minus strand). Cytogenetic location: Xp21.1.
Variant type: Deletion.
Identifiers: ClinVar variation 2424821 (VCV002424821.4).

ClinVar aggregate classification (germline): Pathogenic (1 of 4 stars; one submission).

Conditions:
Duchenne muscular dystrophy (DMD). Also called: Duchenne Muscular Dystrophy (DMD); MUSCULAR DYSTROPHY, PSEUDOHYPERTROPHIC PROGRESSIVE, DUCHENNE TYPE. Identifiers: Orphanet 98896, MedGen C0013264, MONDO:0010679, OMIM 310200.

Submission:

Labcorp Genetics (formerly Invitae), Labcorp
Classification: Pathogenic for Duchenne muscular dystrophy. Last evaluated: 2022-08-22. Review status: criteria provided, single submitter. Criteria: Invitae Variant Classification Sherloc (09022015). Collection method: clinical testing. Allele origin: germline.
Comment: This variant is a gross deletion of the genomic region encompassing exon(s) 10-13 of the DMD gene. This variant would be expected to be in-frame, preserving the integrity of the reading frame. A similar copy number variant has been observed in individuals with Duchenne muscular dystrophy (PMID: 17561468, 17854090; Invitae). For these reasons, this variant has been classified as Pathogenic.

Literature cited by the submitters: PubMed 17561468; PubMed 17854090.